The following is an entry in ClinVar:

ClinVar aggregate classification (germline): Likely benign. Review status: criteria provided, multiple submitters, no conflicts (2 of 4 stars). 3 submissions from 3 submitters: Likely benign (2). 1 of the submissions does not count toward it. Last evaluated 2026-03-01.

Conditions:
CEP104-related disorder. Also called: CEP104-related condition.

gnomAD v4.1: 9 of 1,613,936 alleles (0.00056%); highest among the groups gnomAD compares: African/African-American, 0.0093%; no homozygotes.

Submissions (3):

CeGaT Center for Human Genetics Tuebingen
Classification: Likely benign. Last evaluated: 2026-03-01. Review status: criteria provided, single submitter. Criteria: CeGaT Center For Human Genetics Tuebingen Variant Classification Criteria Version 2. Collection method: clinical testing. Allele origin: germline. Affected: yes. Observed: 1 variant allele.
Comment: CEP104: BP4, BP7

Blueprint Genetics
Classification: Likely benign. Last evaluated: 2023-11-13. Review status: criteria provided, single submitter. Criteria: ACMG Guidelines, 2015. Collection method: clinical testing. Allele origin: germline.

PreventionGenetics, part of Exact Sciences
Classification: Likely benign for CEP104-related condition. Last evaluated: 2024-08-08. Review status: no assertion criteria provided. Collection method: clinical testing. Allele origin: germline. Not counted in ClinVar's aggregate classification.
Comment: This variant is classified as likely benign based on ACMG/AMP sequence variant interpretation guidelines (Richards et al. 2015 PMID: 25741868, with internal and published modifications).

NM_014704.4(CEP104):c.2217T>C (p.Ala739=)

Gene: CEP104 (centrosomal protein 104; minus strand). Cytogenetic location: 1p36.32.
Variant type: single nucleotide variant.
Coding change: c.2217T>C on transcript NM_014704.4 (MANE Select); coding-DNA position 2217, T replaced by C.
Protein change: p.Ala739=; no amino-acid change (alanine 739 retained).
Molecular consequence: synonymous variant.
Genome position (GRCh38, 1-based): chr1:3,826,408, A>G on the plus strand (T>C on the coding strand, the complement: CEP104 is on the minus strand). VCF-style: chr1-3826408-A-G. GRCh37 (hg19) VCF-style: chr1-3742972-A-G.
Identifiers: ClinVar variation 3357375 (VCV003357375.4).
Genomic context (GRCh38, chr1:3,826,408, plus strand): 5'-GGTGGAAGACAGCGCGACTTACTTATCTAGATAGTGCTCATCCGGGATTCCCAGAGCTTC[A>G]GCAGGGGCTGCTTTCCCTCCTTGAATGTCTGAAGAGATTAAAACAATTTAAATAACTTTT-3'
Protein context (NP_055519.1, residues 729-749): QDIQGGKAAP[Ala739=]EALGIPDEHY